The following is an entry in ClinVar:

NM_153717.3(EVC):c.2821C>T (p.Gln941Ter)

Gene: EVC (EvC ciliary complex subunit 1; plus strand). Cytogenetic location: 4p16.2.
Variant type: single nucleotide variant.
Coding change: c.2821C>T on transcript NM_153717.3 (MANE Select); coding-DNA position 2821, C replaced by T.
Protein change: p.Gln941Ter; replaces glutamine 941 with a stop codon.
Molecular consequence: nonsense.
Genome position (GRCh38, 1-based): chr4:5,810,377, C>T. VCF-style: chr4-5810377-C-T. GRCh37 (hg19) VCF-style: chr4-5812104-C-T.
Other names: c.2821C>T, p.Gln941Ter (NM_001306090.2); short protein forms Q941*.
Identifiers: ClinVar variation 445803 (VCV000445803.12), dbSNP rs896581899, ClinGen allele CA91728088.

ClinVar aggregate classification (germline): Conflicting classifications of pathogenicity. Review status: criteria provided, conflicting classifications (1 of 4 stars). 4 submissions from 4 submitters: Pathogenic (1); Likely pathogenic (1); Uncertain significance (1). 1 of the submissions does not count toward it. Last evaluated 2025-07-21.

Conditions:
Ellis-van Creveld syndrome (EVC). Also called: Chondroectodermal dysplasia; EVC-Related Ellis-van Creveld Syndrome; EVC2-Related Ellis-van Creveld Syndrome; MESOECTODERMAL DYSPLASIA. Identifiers: Orphanet 289, MedGen C0013903, MONDO:0009162, OMIM 225500.
Curry-Hall syndrome (WAD). Also called: WEYERS ACRODENTAL DYSOSTOSIS. Identifiers: Orphanet 952, MedGen C0457013, MONDO:0008673, OMIM 193530.

Allele frequency attached by ClinVar (database versions not stated): gnomAD exomes below 0.00001 and 0.00002; gnomAD 0.00001; TOPMed 0.00002.
gnomAD v4.1: 35 of 1,613,782 alleles (0.0022%); highest among the groups gnomAD compares: Non-Finnish European, 0.0029%; no homozygotes.

Submissions (4):

Natera, Inc.
Classification: Likely pathogenic for Ellis-van Creveld syndrome. Last evaluated: 2025-07-21. Review status: criteria provided, single submitter. Criteria: Natera Variant Classification Schema (03/2026). Collection method: clinical testing. Allele origin: germline.
Comment: The c.2821C>T variant in EVC is a nonsense variant predicted to introduce a stop codon at amino acid 941. This variant is expected to result in nonsense mediated decay, truncation, or a dysfunctional protein product. This variant is rare in the general population with a frequency below the threshold expected for the associated phenotype(s). Given the available evidence, this variant is classified as Likely Pathogenic.

Labcorp Genetics (formerly Invitae), Labcorp
Classification: Pathogenic for Curry-Hall syndrome; Ellis-van Creveld syndrome. Last evaluated: 2024-10-12. Review status: criteria provided, single submitter. Criteria: Invitae Variant Classification Sherloc (09022015). Collection method: clinical testing. Allele origin: germline.
Comment: This sequence change creates a premature translational stop signal (p.Gln941*) in the EVC gene. It is expected to result in an absent or disrupted protein product. Loss-of-function variants in EVC are known to be pathogenic (PMID: 23220543). The frequency data for this variant in the population databases is considered unreliable, as metrics indicate poor data quality at this position in the gnomAD database. This variant has not been reported in the literature in individuals affected with EVC-related conditions. ClinVar contains an entry for this variant (Variation ID: 445803). Algorithms developed to predict the effect of sequence changes on RNA splicing suggest that this variant may disrupt the consensus splice site. For these reasons, this variant has been classified as Pathogenic.

Center for Pediatric Genomic Medicine, Children's Mercy Hospital and Clinics
Classification: Uncertain significance. Last evaluated: 2017-06-12. Review status: criteria provided, single submitter. Criteria: ACMG Guidelines, 2015. Collection method: clinical testing. Allele origin: germline.

Counsyl
Classification: Likely pathogenic for Ellis-van Creveld syndrome. Last evaluated: 2018-04-09. Review status: no assertion criteria provided. Collection method: clinical testing. Allele origin: unknown. Not counted in ClinVar's aggregate classification.

Literature cited by the submitters: PubMed 23220543 (cited by Labcorp Genetics (formerly Invitae), Labcorp).